The following is an entry in ClinVar:

ClinVar aggregate classification (germline): Pathogenic (1 of 4 stars; one submission).

Conditions:
Fabry disease. Also called: ALPHA-GALACTOSIDASE A DEFICIENCY; ANDERSON-FABRY DISEASE; CERAMIDE TRIHEXOSIDASE DEFICIENCY; GLA DEFICIENCY; HEREDITARY DYSTOPIC LIPIDOSIS; Angiokeratoma corporis diffusum. Identifiers: Orphanet 324, MedGen C0002986, MONDO:0010526, OMIM 301500, HP:0001071. Disease mechanism: Fabry disease is due to inactivating mutations in the X-linked GLA gene resulting in deficiency of the enzyme Alpha Galactosidase-A., loss of function.

Submission:

Genomenon, Inc
Classification: Pathogenic for Fabry disease. Last evaluated: 2026-09-08. Review status: criteria provided, single submitter. Criteria: Genomenon Sequence Variant Interpretation Standards - Updated. Collection method: curation. Allele origin: germline. Affected: yes.
Comment: GLA p.Leu311ProfsTer4 (c.931dup) is a frameshift variant that is predicted to introduce a premature termination codon and result in a truncated or absent protein product. This variant has been observed in at least one proband with clinical features consistent with Fabry disease (PMID:31112424;34927718). It is absent or not present at a significant frequency in gnomAD. In conclusion, we classify GLA p.Leu311ProfsTer4 (c.931dup) as a pathogenic variant.

Literature cited by the submitters: PubMed 31112424; PubMed 34927718.

NM_000169.3(GLA):c.931dup (p.Leu311fs)

Genes: GLA (galactosidase alpha; minus strand), RPL36A-HNRNPH2 (RPL36A-HNRNPH2 readthrough; plus strand). Cytogenetic location: Xq22.1.
Variant type: Duplication.
Coding change: c.931dup on transcript NM_000169.3 (MANE Select); coding-DNA position 931, one base duplicated (C; older notation c.931dupC).
Protein change: p.Leu311fs; shifts the reading frame from leucine 311.
Molecular consequence: frameshift variant. On other transcripts: non-coding transcript variant (3), intron variant (2).
Genome position (GRCh38, 1-based): chrX:101,398,438, G duplicated on the plus strand (C on the coding strand, the reverse complement: GLA is on the minus strand); the first of 2 consecutive G bases (chrX:101,398,438-101,398,439); duplicating either gives the same sequence. VCF-style (leftmost placement, unchanged base first): chrX-101398437-A-AG. GRCh37 (hg19) VCF-style: chrX-100653425-A-AG.
Other names: c.1054dup, p.Leu352fs (NM_001406747.1); c.931dup, p.Leu311fs (NM_001406748.1); c.300+2982dup (NM_001199973.2); c.177+6617dup (NM_001199974.2); short protein forms L311fs, L352fs.
Identifiers: ClinVar variation 4087028 (VCV004087028.2).